The following is an entry in ClinVar:

ClinVar aggregate classification (germline): Uncertain significance (1 of 4 stars; one submission).

Allele frequency attached by ClinVar (database versions not stated): gnomAD exomes below 0.00001; gnomAD 0.00001.
gnomAD v4.1: 3 of 1,613,532 alleles (0.00019%); highest among the groups gnomAD compares: Non-Finnish European, 0.00025%; no homozygotes.

Submission:

Ambry Genetics
Classification: Uncertain significance. Last evaluated: 2024-05-18. Review status: criteria provided, single submitter. Criteria: Ambry Variant Classification Scheme 2023. Collection method: clinical testing. Allele origin: germline.
Comment: The p.D333N variant (also known as c.997G>A), located in coding exon 10 of the KIF1B gene, results from a G to A substitution at nucleotide position 997. The aspartic acid at codon 333 is replaced by asparagine, an amino acid with highly similar properties. This amino acid position is conserved. In addition, the in silico prediction for this alteration is inconclusive. Since supporting evidence is limited at this time, the clinical significance of this alteration remains unclear.

NM_001365951.3(KIF1B):c.1015G>A (p.Asp339Asn)

Gene: KIF1B (kinesin family member 1B; plus strand). Cytogenetic location: 1p36.22.
Variant type: single nucleotide variant.
Coding change: c.1015G>A on transcript NM_001365951.3 (MANE Select); coding-DNA position 1015, G replaced by A.
Protein change: p.Asp339Asn; replaces aspartic acid 339 with asparagine.
Molecular consequence: missense variant.
Genome position (GRCh38, 1-based): chr1:10,276,377, G>A. VCF-style: chr1-10276377-G-A. GRCh37 (hg19) VCF-style: chr1-10336435-G-A.
Other names: c.1015G>A, p.Asp339Asn (NM_001365952.1); c.997G>A, p.Asp333Asn (NM_001365953.1, NM_015074.3, NM_183416.4); short protein forms D333N, D339N.
Identifiers: ClinVar variation 1768797 (VCV001768797.3), dbSNP rs1649108743, ClinGen allele CA338333095.